The following is an entry in ClinVar:

NM_005732.4(RAD50):c.3051G>C (p.Trp1017Cys)

Gene: RAD50 (RAD50 double strand break repair protein; plus strand). Cytogenetic location: 5q31.1.
Variant type: single nucleotide variant.
Coding change: c.3051G>C on transcript NM_005732.4 (MANE Select); coding-DNA position 3051, G replaced by C.
Protein change: p.Trp1017Cys; replaces tryptophan 1017 with cysteine.
Molecular consequence: missense variant.
Genome position (GRCh38, 1-based): chr5:132,616,017, G>C. VCF-style: chr5-132616017-G-C. GRCh37 (hg19) VCF-style: chr5-131951709-G-C.
Other names: short protein forms W1017C.
Identifiers: ClinVar variation 822735 (VCV000822735.11), dbSNP rs1581008385, ClinGen allele CA360963422.

ClinVar aggregate classification (germline): Uncertain significance. Review status: criteria provided, multiple submitters, no conflicts (2 of 4 stars). 2 submissions from 2 submitters: Uncertain significance (2). Last evaluated 2025-10-22.

Conditions:
Hereditary cancer-predisposing syndrome. Also called: Tumor predisposition; Hereditary Cancer Syndrome; Neoplastic Syndromes, Hereditary; Hereditary neoplastic syndrome. Identifiers: Orphanet 140162, MedGen C0027672, MeSH D009386, MONDO:0015356.

Allele frequency attached by ClinVar (database versions not stated): TOPMed below 0.00001; gnomAD 0.00001.
gnomAD v4.1: 1 of 1,584,114 alleles (0.000063%); highest among the groups gnomAD compares: Admixed American, 0.0017%; no homozygotes.

Submissions (2):

Ambry Genetics
Classification: Uncertain significance for Hereditary cancer-predisposing syndrome. Last evaluated: 2025-10-22. Review status: criteria provided, single submitter. Criteria: Ambry Variant Classification Scheme 2023. Collection method: clinical testing. Allele origin: germline.
Comment: The p.W1017C variant (also known as c.3051G>C), located in coding exon 20 of the RAD50 gene, results from a G to C substitution at nucleotide position 3051. The tryptophan at codon 1017 is replaced by cysteine, an amino acid with highly dissimilar properties. This amino acid position is highly conserved in available vertebrate species. In addition, this alteration is predicted to be tolerated by in silico analysis. Since supporting evidence is limited at this time, the clinical significance of this alteration remains unclear.

Labcorp Genetics (formerly Invitae), Labcorp
Classification: Uncertain significance for Hereditary cancer-predisposing syndrome. Last evaluated: 2025-06-03. Review status: criteria provided, single submitter. Criteria: Invitae Variant Classification Sherloc (09022015). Collection method: clinical testing. Allele origin: germline.
Comment: This sequence change replaces tryptophan, which is neutral and slightly polar, with cysteine, which is neutral and slightly polar, at codon 1017 of the RAD50 protein (p.Trp1017Cys). This variant is not present in population databases (gnomAD no frequency). This variant has not been reported in the literature in individuals affected with RAD50-related conditions. ClinVar contains an entry for this variant (Variation ID: 822735). Invitae Evidence Modeling of protein sequence and biophysical properties (such as structural, functional, and spatial information, amino acid conservation, physicochemical variation, residue mobility, and thermodynamic stability) indicates that this missense variant is not expected to disrupt RAD50 protein function with a negative predictive value of 80%. In summary, the available evidence is currently insufficient to determine the role of this variant in disease. Therefore, it has been classified as a Variant of Uncertain Significance.